The following is an entry in ClinVar:

NM_203475.3(PORCN):c.628G>A (p.Val210Met)

Gene: PORCN (porcupine O-acyltransferase; plus strand). Cytogenetic location: Xp11.23.
Variant type: single nucleotide variant.
Coding change: c.628G>A on transcript NM_203475.3 (MANE Select); coding-DNA position 628, G replaced by A.
Protein change: p.Val210Met; replaces valine 210 with methionine.
Molecular consequence: missense variant.
Genome position (GRCh38, 1-based): chrX:48,512,661, G>A. VCF-style: chrX-48512661-G-A. GRCh37 (hg19) VCF-style: chrX-48371049-G-A.
Other names: c.415G>A, p.Val139Met (NM_001282167.2); c.628G>A, p.Val210Met (NM_022825.4, NM_203473.3, NM_203474.1); short protein forms V139M, V210M.
Identifiers: ClinVar variation 1803305 (VCV001803305.1), dbSNP rs2519454965, ClinGen allele CA412845153.

ClinVar aggregate classification (germline): Uncertain significance (1 of 4 stars; one submission).

Allele frequency attached by ClinVar (database versions not stated): gnomAD exomes below 0.00001.
gnomAD v4.1: 5 of 1,211,103 alleles (0.00041%); highest among the groups gnomAD compares: Non-Finnish European, 0.00056%; no homozygotes.

Submission:

GeneDx
Classification: Uncertain significance. Last evaluated: 2022-06-06. Review status: criteria provided, single submitter. Criteria: GeneDx Variant Classification Process June 2021. Collection method: clinical testing. Allele origin: germline. Affected: yes.
Comment: In silico analysis supports that this missense variant does not alter protein structure/function; Has not been previously published as pathogenic or benign to our knowledge; Not observed at significant frequency in large population cohorts (gnomAD)